The following is an entry in ClinVar:

NM_001282597.3(CTNNA2):c.43A>G (p.Lys15Glu)

Gene: CTNNA2 (catenin alpha 2; plus strand). Cytogenetic location: 2p12.
Variant type: single nucleotide variant.
Coding change: c.43A>G on transcript NM_001282597.3 (MANE Select); coding-DNA position 43, A replaced by G.
Protein change: p.Lys15Glu; replaces lysine 15 with glutamic acid.
Molecular consequence: missense variant.
Genome position (GRCh38, 1-based): chr2:79,651,599, A>G. VCF-style: chr2-79651599-A-G. GRCh37 (hg19) VCF-style: chr2-79878725-A-G.
Other names: c.43A>G, p.Lys15Glu (NM_001164883.2, NM_004389.4); c.145A>G, p.Lys49Glu (NM_001282598.2); c.43A>G (NM_004389.3); short protein forms K15E, K49E.
Identifiers: ClinVar variation 1313709 (VCV001313709.5), dbSNP rs1681256830, ClinGen allele CA347503898.

ClinVar aggregate classification (germline): Uncertain significance. Review status: criteria provided, multiple submitters, no conflicts (2 of 4 stars). 2 submissions from 2 submitters: Uncertain significance (2). Last evaluated 2026-01-31.

Conditions:
Inborn genetic diseases. Identifiers: MedGen C0950123, MeSH D030342.

Allele frequency attached by ClinVar (database versions not stated): gnomAD exomes 0.00001.
gnomAD v4.1: 11 of 1,613,878 alleles (0.00068%); highest among the groups gnomAD compares: Non-Finnish European, 0.00093%; no homozygotes.

Submissions (2):

GeneDx
Classification: Uncertain significance. Last evaluated: 2026-01-31. Review status: criteria provided, single submitter. Criteria: GeneDx Variant Classification Process June 2021. Collection method: clinical testing. Allele origin: germline. Affected: yes.
Comment: Not observed at significant frequency in large population cohorts (gnomAD); In silico analysis supports that this missense variant has a deleterious effect on protein structure/function; Has not been previously published as pathogenic or benign to our knowledge

Ambry Genetics
Classification: Uncertain significance for Inborn genetic diseases. Last evaluated: 2024-12-09. Review status: criteria provided, single submitter. Criteria: Ambry Variant Classification Scheme 2023. Collection method: clinical testing. Allele origin: germline.